The following is an entry in ClinVar:

NM_198994.3(TGM6):c.1300C>T (p.Arg434Cys)

Gene: TGM6 (transglutaminase 6; plus strand). Cytogenetic location: 20p13.
Variant type: single nucleotide variant.
Coding change: c.1300C>T on transcript NM_198994.3 (MANE Select); coding-DNA position 1300, C replaced by T.
Protein change: p.Arg434Cys; replaces arginine 434 with cysteine.
Molecular consequence: missense variant.
Genome position (GRCh38, 1-based): chr20:2,403,787, C>T. VCF-style: chr20-2403787-C-T. GRCh37 (hg19) VCF-style: chr20-2384433-C-T.
Other names: c.1300C>T, p.Arg434Cys (NM_001254734.2); short protein forms R434C.
Identifiers: ClinVar variation 2716174 (VCV002716174.3), dbSNP rs770145628, ClinGen allele CA310843138.
Genomic context (GRCh38, chr20:2,403,787, plus strand): 5'-TACTCAAACACGAAGAAGATTGGGAGATGCATCAGCACCAAGGCGGTGGGCAGTGACTCC[C>T]GCGTGGACATCACTGACCTCTACAAGTATCCGGAAGGTAAGGGCCACATGGCGGCCTTTA-3'
Protein context (NP_945345.2, residues 424-444): ISTKAVGSDS[Arg434Cys]VDITDLYKYP

ClinVar aggregate classification (germline): Uncertain significance (1 of 4 stars; one submission).

Allele frequency attached by ClinVar (database versions not stated): TOPMed below 0.00001; gnomAD 0.00001.
gnomAD v4.1: 20 of 1,614,038 alleles (0.0012%); highest among the groups gnomAD compares: East Asian, 0.0022%; no homozygotes.

Submission:

Labcorp Genetics (formerly Invitae), Labcorp
Classification: Uncertain significance. Last evaluated: 2023-12-07. Review status: criteria provided, single submitter. Criteria: Invitae Variant Classification Sherloc (09022015). Collection method: clinical testing. Allele origin: germline.
Comment: This sequence change replaces arginine, which is basic and polar, with cysteine, which is neutral and slightly polar, at codon 434 of the TGM6 protein (p.Arg434Cys). This variant is present in population databases (no rsID available, gnomAD 0.003%). This variant has not been reported in the literature in individuals affected with TGM6-related conditions. Advanced modeling of protein sequence and biophysical properties (such as structural, functional, and spatial information, amino acid conservation, physicochemical variation, residue mobility, and thermodynamic stability) performed at Invitae indicates that this missense variant is not expected to disrupt TGM6 protein function with a negative predictive value of 80%. In summary, the available evidence is currently insufficient to determine the role of this variant in disease. Therefore, it has been classified as a Variant of Uncertain Significance.